The following is an entry in ClinVar:

ClinVar aggregate classification (germline): Conflicting classifications of pathogenicity. Review status: criteria provided, conflicting classifications (1 of 4 stars). 2 submissions from 2 submitters: Uncertain significance (1); Likely benign (1). Last evaluated 2025-12-29.

Conditions:
Cryopyrin associated periodic syndrome (CAPS). Identifiers: Orphanet 208650, MedGen C2316212, MONDO:0016168.

Allele frequency attached by ClinVar (database versions not stated): TOPMed below 0.00001; ExAC 0.00001.
gnomAD v4.1: 28 of 1,614,098 alleles (0.0017%); highest among the groups gnomAD compares: Non-Finnish European, 0.0023%; no homozygotes.

Submissions (2):

Labcorp Genetics (formerly Invitae), Labcorp
Classification: Uncertain significance for Cryopyrin associated periodic syndrome. Last evaluated: 2025-12-29. Review status: criteria provided, single submitter. Criteria: Invitae Variant Classification Sherloc (09022015). Collection method: clinical testing. Allele origin: germline.
Comment: This sequence change replaces serine, which is neutral and polar, with tyrosine, which is neutral and polar, at codon 216 of the NLRP3 protein (p.Ser216Tyr). This variant is present in population databases (rs755148908, gnomAD 0.0009%). This variant has not been reported in the literature in individuals affected with NLRP3-related conditions. ClinVar contains an entry for this variant (Variation ID: 2146666). Invitae Evidence Modeling of protein sequence and biophysical properties (such as structural, functional, and spatial information, amino acid conservation, physicochemical variation, residue mobility, and thermodynamic stability) indicates that this missense variant is not expected to disrupt NLRP3 protein function with a negative predictive value of 95%. In summary, the available evidence is currently insufficient to determine the role of this variant in disease. Therefore, it has been classified as a Variant of Uncertain Significance.

Blueprint Genetics
Classification: Likely benign. Last evaluated: 2024-02-27. Review status: criteria provided, single submitter. Criteria: ACMG Guidelines, 2015. Collection method: clinical testing. Allele origin: germline.

NM_001243133.2(NLRP3):c.641C>A (p.Ser214Tyr)

Gene: NLRP3 (NLR family pyrin domain containing 3; plus strand). Cytogenetic location: 1q44.
Variant type: single nucleotide variant.
Coding change: c.641C>A on transcript NM_001243133.2 (MANE Select); coding-DNA position 641, C replaced by A.
Protein change: p.Ser214Tyr; replaces serine 214 with tyrosine.
Molecular consequence: missense variant.
Genome position (GRCh38, 1-based): chr1:247,424,090, C>A. VCF-style: chr1-247424090-C-A. GRCh37 (hg19) VCF-style: chr1-247587392-C-A.
Other names: c.641C>A, p.Ser214Tyr (NM_001079821.3, NM_001127461.3, NM_001127462.3 and 1 more transcripts); c.647C>A, p.Ser216Tyr (NM_004895.5); short protein forms S216Y, S214Y.
Identifiers: ClinVar variation 2146666 (VCV002146666.4), dbSNP rs755148908, ClinGen allele CA1494914.
Genomic context (GRCh38, chr1:247,424,090, plus strand): 5'-GTGAGAGCCCCGTGAGTCCCATTAAGATGGAGTTGCTGTTTGACCCCGATGATGAGCATT[C>A]TGAGCCTGTGCACACCGTGGTGTTCCAGGGGGCGGCAGGGATTGGGAAAACAATCCTGGC-3'
Protein context (NP_001230062.1, residues 204-224): ELLFDPDDEH[Ser214Tyr]EPVHTVVFQG